The following is an entry in ClinVar:

ClinVar aggregate classification (germline): Uncertain significance (1 of 4 stars; one submission).

Allele frequency attached by ClinVar (database versions not stated): ExAC 0.00005; ESP Exome Variant Server 0.00016; TOPMed 0.00001.
gnomAD v4.1: 7 of 1,548,438 alleles (0.00045%); highest among the groups gnomAD compares: African/African-American, 0.0027%; no homozygotes.

Submission:

Labcorp Genetics (formerly Invitae), Labcorp
Classification: Uncertain significance. Last evaluated: 2022-03-03. Review status: criteria provided, single submitter. Criteria: Invitae Variant Classification Sherloc (09022015). Collection method: clinical testing. Allele origin: germline.
Comment: This sequence change replaces glutamic acid, which is acidic and polar, with lysine, which is basic and polar, at codon 46 of the USH1G protein (p.Glu46Lys). This variant is present in population databases (rs201967671, gnomAD 0.01%). This variant has not been reported in the literature in individuals affected with USH1G-related conditions. ClinVar contains an entry for this variant (Variation ID: 1035308). Algorithms developed to predict the effect of missense changes on protein structure and function are either unavailable or do not agree on the potential impact of this missense change (SIFT: "Not Available"; PolyPhen-2: "Possibly Damaging"; Align-GVGD: "Not Available"). In summary, the available evidence is currently insufficient to determine the role of this variant in disease. Therefore, it has been classified as a Variant of Uncertain Significance.

NM_173477.5(USH1G):c.136G>A (p.Glu46Lys)

Gene: USH1G (USH1 protein network component sans; minus strand). Cytogenetic location: 17q25.1.
Variant type: single nucleotide variant.
Coding change: c.136G>A on transcript NM_173477.5 (MANE Select); coding-DNA position 136, G replaced by A.
Protein change: p.Glu46Lys; replaces glutamic acid 46 with lysine.
Molecular consequence: missense variant. On other transcripts: 5 prime UTR variant (1).
Genome position (GRCh38, 1-based): chr17:74,922,938, C>T on the plus strand (G>A on the coding strand, the complement: USH1G is on the minus strand). VCF-style: chr17-74922938-C-T. GRCh37 (hg19) VCF-style: chr17-72919033-C-T.
Other names: c.-121G>A (NM_001282489.3); short protein forms E46K.
Identifiers: ClinVar variation 1035308 (VCV001035308.6), dbSNP rs201967671, ClinGen allele CA8754131.
Genomic context (GRCh38, chr17:74,922,938, plus strand): 5'-GGCCTCAAGGGCACTGGGTGGGGCGTACTCACCCGCGGCTCACAATGAGACGCAGCGACT[C>T]GAGGTTGCCATGGTAGGCAGCCCAGAGAGTGGGGGTCATGCCATCCTCGTCGGGGGCATT-3'
Protein context (NP_775748.2, residues 36-56): TLWAAYHGNL[Glu46Lys]SLRLIVSRGG